The following is an entry in ClinVar:

NM_001001331.4(ATP2B2):c.3723G>A (p.Thr1241=)

Gene: ATP2B2 (ATPase plasma membrane Ca2+ transporting 2; minus strand). Cytogenetic location: 3p25.3.
Variant type: single nucleotide variant.
Coding change: c.3723G>A on transcript NM_001001331.4 (MANE Select); coding-DNA position 3723, G replaced by A.
Protein change: p.Thr1241=; no amino-acid change (threonine 1241 retained).
Molecular consequence: synonymous variant. On other transcripts: 3 prime UTR variant (2).
Genome position (GRCh38, 1-based): chr3:10,328,823, C>T on the plus strand (G>A on the coding strand, the complement: ATP2B2 is on the minus strand). VCF-style: chr3-10328823-C-T. GRCh37 (hg19) VCF-style: chr3-10370507-C-T.
Other names: c.*350G>A (NM_001330611.3); c.3588G>A, p.Thr1196= (NM_001353564.1, NM_001683.5); c.*277G>A (NM_001363862.1); c.3588G>A (NM_001683.3).
Identifiers: ClinVar variation 994486 (VCV000994486.33), dbSNP rs767698970, ClinGen allele CA2253037.
Genomic context (GRCh38, chr3:10,328,823, plus strand): 5'-GGGTGGCAGCGGGGTCCATGAGGGCGGGCGGGCAGGCGAGAGGGTCCTCAGCTAAAGCGA[C>T]GTCTCCAGGCTGTGGATGGGGCTCCCTGGACTTGAAGAGGTAGCTGATTTGCTTGTGTCG-3'
Protein context (NP_001001331.1, residues 1231-1243): SPGSPIHSLE[Thr1241=]SL

ClinVar aggregate classification (germline): Likely benign. Review status: criteria provided, multiple submitters, no conflicts (2 of 4 stars). 4 submissions from 4 submitters: Likely benign (3). 1 of the submissions does not count toward it. Last evaluated 2023-04-01.

Conditions:
ATP2B2-related disorder. Also called: ATP2B2-related condition.

Allele frequency attached by ClinVar (database versions not stated): TOPMed 0.00003; gnomAD 0.00004; gnomAD exomes 0.00005 and 0.00006; ExAC 0.00008.
gnomAD v4.1: 84 of 1,607,490 alleles (0.0052%); highest among the groups gnomAD compares: South Asian, 0.044%; 1 homozygote.

Submissions (4):

CeGaT Center for Human Genetics Tuebingen
Classification: Likely benign. Last evaluated: 2023-04-01. Review status: criteria provided, single submitter. Criteria: CeGaT Center For Human Genetics Tuebingen Variant Classification Criteria Version 2. Collection method: clinical testing. Allele origin: germline. Affected: yes. Observed: 1 variant allele.
Comment: ATP2B2: BP4, BP7

Labcorp Genetics (formerly Invitae), Labcorp
Classification: Likely benign. Last evaluated: 2022-03-16. Review status: criteria provided, single submitter. Criteria: Invitae Variant Classification Sherloc (09022015). Collection method: clinical testing. Allele origin: germline.

Athena Diagnostics
Classification: Likely benign. Last evaluated: 2019-09-30. Review status: criteria provided, single submitter. Criteria: Athena Diagnostics Criteria. Collection method: clinical testing. Allele origin: unknown.

PreventionGenetics, part of Exact Sciences
Classification: Likely benign for ATP2B2-related condition. Last evaluated: 2021-02-04. Review status: no assertion criteria provided. Collection method: clinical testing. Allele origin: germline. Not counted in ClinVar's aggregate classification.
Comment: This variant is classified as likely benign based on ACMG/AMP sequence variant interpretation guidelines (Richards et al. 2015 PMID: 25741868, with internal and published modifications).